The following is an entry in ClinVar:

ClinVar aggregate classification (germline): Uncertain significance. Review status: criteria provided, multiple submitters, no conflicts (2 of 4 stars). 3 submissions from 3 submitters: Uncertain significance (3). Last evaluated 2025-06-17.

Conditions:
Pulmonary fibrosis and/or bone marrow failure, Telomere-related, 2. Also called: PULMONARY FIBROSIS AND/OR BONE MARROW FAILURE SYNDROME, TELOMERE-RELATED, 2. Identifiers: Orphanet 88, MedGen C3553622, MONDO:0013879, OMIM 614743.
Dyskeratosis congenita, autosomal dominant 1 (DKCA1). Also called: Dyskeratosis congenita Scoggins type. Identifiers: Orphanet 1775, MedGen C4551974, MONDO:0007485, OMIM 127550. Inheritance: Variable.

Allele frequency attached by ClinVar (database versions not stated): gnomAD 0.00001; TOPMed 0.00001.
gnomAD v4.1: 1 of 765,148 alleles (0.00013%); highest among the groups gnomAD compares: Non-Finnish European, 0.00024%; no homozygotes.

Submissions (3):

Labcorp Genetics (formerly Invitae), Labcorp
Classification: Uncertain significance for Dyskeratosis congenita, autosomal dominant 1. Last evaluated: 2025-06-17. Review status: criteria provided, single submitter. Criteria: Invitae Variant Classification Sherloc (09022015). Collection method: clinical testing. Allele origin: germline.
Comment: This variant occurs in the TERC gene, which encodes an RNA molecule that does not result in a protein product. This variant is not present in population databases (gnomAD no frequency). This variant has been observed in individual(s) with clinical features of dyskeratosis congenita (PMID: 21931702, 29146883, 30426156). ClinVar contains an entry for this variant (Variation ID: 619284). Algorithms developed to predict the effect of variants on gene product structure and function are not available or were not evaluated for this variant. Experimental studies have shown that this variant affects TERC function (PMID: 21931702). This variant is located in a region of TERC in which a significant number of disease causing variants have been reported (PMID: 15082312, 21844345, 21931702). These observations suggest that this may be a clinically significant region. In summary, the available evidence is currently insufficient to determine the role of this variant in disease. Therefore, it has been classified as a Variant of Uncertain Significance.

MGZ Medical Genetics Center
Classification: Uncertain significance for Dyskeratosis congenita, autosomal dominant 1. Last evaluated: 2022-05-06. Review status: criteria provided, single submitter. Criteria: ACMG Guidelines, 2015. Collection method: clinical testing. Allele origin: germline. Affected: yes. Observed: 1 variant allele.
Comment: ACMG criteria applied: PS4_MOD, PM1_SUP, PM2_SUP, PP1

Johns Hopkins Genomics, Johns Hopkins University
Classification: Uncertain significance for Pulmonary fibrosis and/or bone marrow failure, Telomere-related, 2. Last evaluated: 2019-01-31. Review status: criteria provided, single submitter. Criteria: ACMG Guidelines, 2015. Collection method: clinical testing. Allele origin: germline.
Comment: This TERC variant is absent from large population datasets. TERC n.36C>T has not been reported in ClinVar, to our knowledge. This variant has been reported in both the heterozygous and homozygous state in individuals with aplastic anemia. The importance of the position of this variant within the TERC pseudoknot/template domain remains unclear, however, it is thought to affect telomerase RNA structure. This has not been confirmed experimentally to our knowledge. The clinical significance of n.36C>T is uncertain at this time.

Literature cited by the submitters: PubMed 21931702 (cited by Labcorp Genetics (formerly Invitae), Labcorp and Johns Hopkins Genomics, Johns Hopkins University); PubMed 29146883 (cited by Labcorp Genetics (formerly Invitae), Labcorp); PubMed 30426156 (cited by Labcorp Genetics (formerly Invitae), Labcorp and Johns Hopkins Genomics, Johns Hopkins University); PubMed 15082312 (cited by Labcorp Genetics (formerly Invitae), Labcorp and Johns Hopkins Genomics, Johns Hopkins University); PubMed 21844345 (cited by Labcorp Genetics (formerly Invitae), Labcorp).

NR_001566.3(TERC):n.36C>T

Genes: TERC (telomerase RNA component; minus strand), LOC110806306 (telomerase RNA component (TERC) promoter; plus strand). Cytogenetic location: 3q26.2.
Variant type: single nucleotide variant.
Genome position: GRCh38 VCF-style: chr3-169765025-G-A. GRCh37 (hg19) VCF-style: chr3-169482813-G-A.
Identifiers: ClinVar variation 619284 (VCV000619284.13), dbSNP rs1248582778, ClinGen allele CA436715989.